The following is an entry in ClinVar:

ClinVar aggregate classification (germline): Uncertain significance (1 of 4 stars; one submission).

Conditions:
Hereditary cancer-predisposing syndrome. Also called: Neoplastic Syndromes, Hereditary; Hereditary Cancer Syndrome; Hereditary neoplastic syndrome; Tumor predisposition. Identifiers: Orphanet 140162, MedGen C0027672, MeSH D009386, MONDO:0015356.

gnomAD v4.1: 2 of 1,611,910 alleles (0.00012%); highest among the groups gnomAD compares: Non-Finnish European, 0.00017%; no homozygotes.

Submission:

Ambry Genetics
Classification: Uncertain significance for Hereditary cancer-predisposing syndrome. Last evaluated: 2026-04-11. Review status: criteria provided, single submitter. Criteria: Ambry Variant Classification Scheme 2023. Collection method: clinical testing. Allele origin: germline.
Comment: The p.S57T variant (also known as c.169T>A), located in coding exon 2 of the FANCC gene, results from a T to A substitution at nucleotide position 169. The serine at codon 57 is replaced by threonine, an amino acid with similar properties. This amino acid position is conserved. In addition, this alteration is predicted to be tolerated by in silico analysis. Based on the available evidence, the clinical significance of this variant remains unclear.

NM_000136.3(FANCC):c.169T>A (p.Ser57Thr)

Gene: FANCC (FA complementation group C; minus strand). Cytogenetic location: 9q22.32.
Variant type: single nucleotide variant.
Coding change: c.169T>A on transcript NM_000136.3 (MANE Select); coding-DNA position 169, T replaced by A.
Protein change: p.Ser57Thr; replaces serine 57 with threonine.
Molecular consequence: missense variant.
Genome position (GRCh38, 1-based): chr9:95,247,513, A>T on the plus strand (T>A on the coding strand, the complement: FANCC is on the minus strand). VCF-style: chr9-95247513-A-T. GRCh37 (hg19) VCF-style: chr9-98009795-A-T.
Other names: c.169T>A, p.Ser57Thr (NM_001243743.2, NM_001243744.2); short protein forms S57T.
Identifiers: ClinVar variation 4870946 (VCV004870946.1).